The following is an entry in ClinVar:

NM_001032386.2(SUOX):c.496G>A (p.Val166Ile)

Gene: SUOX (sulfite oxidase; plus strand). Cytogenetic location: 12q13.2.
Variant type: single nucleotide variant.
Coding change: c.496G>A on transcript NM_001032386.2 (MANE Select); coding-DNA position 496, G replaced by A.
Protein change: p.Val166Ile; replaces valine 166 with isoleucine.
Molecular consequence: missense variant.
Genome position (GRCh38, 1-based): chr12:56,003,885, G>A. VCF-style: chr12-56003885-G-A. GRCh37 (hg19) VCF-style: chr12-56397669-G-A.
Other names: c.496G>A, p.Val166Ile (NM_000456.3, NM_001032387.2); short protein forms V166I.
Identifiers: ClinVar variation 1055636 (VCV001055636.7), dbSNP rs2136511536, ClinGen allele CA385284090.

ClinVar aggregate classification (germline): Uncertain significance (1 of 4 stars; one submission).

Conditions:
Sulfite oxidase deficiency. Also called: Isolated sulfite oxidase deficiency. Identifiers: Orphanet 833, Orphanet 99731, MedGen C0268624, MONDO:0010089, OMIM 272300, HP:0003643.

gnomAD v4.1: 1 of 1,614,050 alleles (0.000062%); highest among the groups gnomAD compares: Non-Finnish European, 0.000085%; no homozygotes.

Submission:

Labcorp Genetics (formerly Invitae), Labcorp
Classification: Uncertain significance for Sulfite oxidase deficiency. Last evaluated: 2022-08-23. Review status: criteria provided, single submitter. Criteria: Invitae Variant Classification Sherloc (09022015). Collection method: clinical testing. Allele origin: germline.
Comment: This sequence change replaces valine, which is neutral and non-polar, with isoleucine, which is neutral and non-polar, at codon 166 of the SUOX protein (p.Val166Ile). This variant is not present in population databases (gnomAD no frequency). This variant has not been reported in the literature in individuals affected with SUOX-related conditions. ClinVar contains an entry for this variant (Variation ID: 1055636). Algorithms developed to predict the effect of missense changes on protein structure and function (SIFT, PolyPhen-2, Align-GVGD) all suggest that this variant is likely to be tolerated. In summary, the available evidence is currently insufficient to determine the role of this variant in disease. Therefore, it has been classified as a Variant of Uncertain Significance.